The following is an entry in ClinVar:

NM_016284.5(CNOT1):c.536A>C (p.Glu179Ala)

Gene: CNOT1 (CCR4-NOT transcription complex subunit 1; minus strand). Cytogenetic location: 16q21.
Variant type: single nucleotide variant.
Coding change: c.536A>C on transcript NM_016284.5 (MANE Select); coding-DNA position 536, A replaced by C.
Protein change: p.Glu179Ala; replaces glutamic acid 179 with alanine.
Molecular consequence: missense variant. On other transcripts: non-coding transcript variant (1).
Genome position (GRCh38, 1-based): chr16:58,586,646, T>G on the plus strand (A>C on the coding strand, the complement: CNOT1 is on the minus strand). VCF-style: chr16-58586646-T-G. GRCh37 (hg19) VCF-style: chr16-58620550-T-G.
Other names: c.536A>C, p.Glu179Ala (NM_001265612.2, NM_206999.3); short protein forms E179A.
Identifiers: ClinVar variation 3896058 (VCV003896058.1).

ClinVar aggregate classification (germline): Uncertain significance (1 of 4 stars; one submission).

Submission:

Women's Health and Genetics/Laboratory Corporation of America, LabCorp
Classification: Uncertain significance. Last evaluated: 2025-03-31. Review status: criteria provided, single submitter. Criteria: LabCorp Variant Classification Summary - May 2015. Collection method: clinical testing. Allele origin: germline.
Comment: Variant summary: CNOT1 c.536A>C (p.Glu179Ala) results in a non-conservative amino acid change located in the CCR4-NOT transcription complex subunit 1, N-terminal domain (IPR055104) of the encoded protein sequence. Four of five in-silico tools predict a damaging effect of the variant on protein function. The variant was absent in 251246 control chromosomes. The available data on variant occurrences in the general population are insufficient to allow any conclusion about variant significance. To our knowledge, no occurrence of c.536A>C in individuals affected with Vissers-Bodmer Syndrome and no experimental evidence demonstrating its impact on protein function have been reported. No submitters have cited clinical-significance assessments for this variant to ClinVar. Based on the evidence outlined above, the variant was classified as uncertain significance.